The following is an entry in ClinVar:

ClinVar aggregate classification (germline): Uncertain significance (1 of 4 stars; one submission).

Conditions:
Cardiovascular phenotype. Identifiers: MedGen CN230736.

gnomAD v4.1: 28 of 1,614,008 alleles (0.0017%); highest among the groups gnomAD compares: South Asian, 0.0022%; no homozygotes.

Submission:

Ambry Genetics
Classification: Uncertain significance for Cardiovascular phenotype. Last evaluated: 2025-10-01. Review status: criteria provided, single submitter. Criteria: Ambry Variant Classification Scheme 2023. Collection method: clinical testing. Allele origin: germline.
Comment: The p.I185T variant (also known as c.554T>C), located in coding exon 5 of the ABCG5 gene, results from a T to C substitution at nucleotide position 554. The isoleucine at codon 185 is replaced by threonine, an amino acid with similar properties. This amino acid position is conserved. In addition, this alteration is predicted to be deleterious by in silico analysis. Based on the available evidence, the clinical significance of this variant remains unclear.

NM_022436.3(ABCG5):c.554T>C (p.Ile185Thr)

Genes: ABCG5 (ATP binding cassette subfamily G member 5; minus strand), DYNC2LI1 (dynein cytoplasmic 2 light intermediate chain 1; plus strand). Cytogenetic location: 2p21.
Variant type: single nucleotide variant.
Coding change: c.554T>C on transcript NM_022436.3 (MANE Select); coding-DNA position 554, T replaced by C.
Protein change: p.Ile185Thr; replaces isoleucine 185 with threonine.
Molecular consequence: missense variant. On other transcripts: 3 prime UTR variant (2).
Genome position (GRCh38, 1-based): chr2:43,828,063, A>G on the plus strand (T>C on the coding strand, the complement: ABCG5 is on the minus strand). VCF-style: chr2-43828063-A-G. GRCh37 (hg19) VCF-style: chr2-44055202-A-G.
Other names: c.*693A>G (NM_001348912.2, NM_001348913.2); short protein forms I185T.
Identifiers: ClinVar variation 4613324 (VCV004613324.1).
Genomic context (GRCh38, chr2:43,828,063, plus strand): 5'-GCTGCGATGGAGACCCGGCGCCGCTCACCCGTGGAAATGCCCCCCAAGCTGTAGTTGCCA[A>G]TCAGTCGGTCTGCCACATGGCTCAGACTCAGCTCTGCCATGACGGCCTCCACCTGCAGGA-3'
Protein context (NP_071881.1, residues 175-195): LSLSHVADRL[Ile185Thr]GNYSLGGIST